The following is an entry in ClinVar:

ClinVar aggregate classification (germline): Likely benign. Review status: criteria provided, multiple submitters, no conflicts (2 of 4 stars). 2 submissions from 2 submitters: Likely benign (2). Last evaluated 2024-09-19.

Allele frequency attached by ClinVar (database versions not stated): gnomAD exomes 0.00012; ExAC 0.00019; gnomAD 0.00019; TOPMed 0.00020; ESP Exome Variant Server 0.00031; 1000 Genomes Project 0.00040; 1000 Genomes Project 30x 0.00047.
gnomAD v4.1: 218 of 1,614,142 alleles (0.014%); highest among the groups gnomAD compares: Middle Eastern, 0.23%; no homozygotes.

Submissions (2):

Blueprint Genetics
Classification: Likely benign. Last evaluated: 2024-09-19. Review status: criteria provided, single submitter. Criteria: ACMG Guidelines, 2015. Collection method: clinical testing. Allele origin: germline.

CeGaT Center for Human Genetics Tuebingen
Classification: Likely benign. Last evaluated: 2024-01-01. Review status: criteria provided, single submitter. Criteria: CeGaT Center For Human Genetics Tuebingen Variant Classification Criteria Version 2. Collection method: clinical testing. Allele origin: germline. Affected: yes. Observed: 1 variant allele.
Comment: ADPRS: BP4, BP7

NM_017825.3(ADPRS):c.714G>A (p.Glu238=)

Gene: ADPRS (ADP-ribosylserine hydrolase; plus strand). Cytogenetic location: 1p34.3.
Variant type: single nucleotide variant.
Coding change: c.714G>A on transcript NM_017825.3 (MANE Select); coding-DNA position 714, G replaced by A.
Protein change: p.Glu238=; no amino-acid change (glutamic acid 238 retained).
Molecular consequence: synonymous variant.
Genome position (GRCh38, 1-based): chr1:36,092,434, G>A. VCF-style: chr1-36092434-G-A. GRCh37 (hg19) VCF-style: chr1-36558035-G-A.
Identifiers: ClinVar variation 3025543 (VCV003025543.23), dbSNP rs149547220, ClinGen allele CA764669.
Genomic context (GRCh38, chr1:36,092,434, plus strand): 5'-CACCACCCTGCTAGCTCTGACCTCCCTGAAATCTCCCCTAAACCACAGGTTGGGCATGGA[G>A]GAGCGTCCATACTCCAGCCGCCTGAAGAAGATTGGAGAGCTTCTAGACCAGGCATCGGTG-3'
Protein context (NP_060295.1, residues 228-248): SVLDARELGM[Glu238=]ERPYSSRLKK